The following is an entry in ClinVar:

ClinVar aggregate classification (germline): Uncertain significance. Review status: criteria provided, multiple submitters, no conflicts (2 of 4 stars). 3 submissions from 3 submitters: Uncertain significance (3). Last evaluated 2023-06-02.

Conditions:
Microcephaly, normal intelligence and immunodeficiency (NBS). Also called: Immunodeficiency, microcephaly with normal intelligence; Ataxia telangiectasia variant V1; IMMUNODEFICIENCY, MICROCEPHALY, AND CHROMOSOMAL INSTABILITY; BERLIN BREAKAGE SYNDROME; SEEMANOVA SYNDROME II; Nijmegen breakage syndrome. Identifiers: Orphanet 647, MedGen C0398791, MONDO:0009623, OMIM 251260.
Hereditary cancer-predisposing syndrome. Also called: Neoplastic Syndromes, Hereditary; Hereditary neoplastic syndrome; Tumor predisposition; Hereditary Cancer Syndrome. Identifiers: Orphanet 140162, MedGen C0027672, MeSH D009386, MONDO:0015356.

Allele frequency attached by ClinVar (database versions not stated): TOPMed below 0.00001.

Submissions (3):

Labcorp Genetics (formerly Invitae), Labcorp
Classification: Uncertain significance for Microcephaly, normal intelligence and immunodeficiency. Last evaluated: 2023-06-02. Review status: criteria provided, single submitter. Criteria: Invitae Variant Classification Sherloc (09022015). Collection method: clinical testing. Allele origin: germline.
Comment: This sequence change replaces proline, which is neutral and non-polar, with histidine, which is basic and polar, at codon 283 of the NBN protein (p.Pro283His). In summary, the available evidence is currently insufficient to determine the role of this variant in disease. Therefore, it has been classified as a Variant of Uncertain Significance. An algorithm developed to predict the effect of missense changes on protein structure and function (PolyPhen-2) suggests that this variant is likely to be disruptive. ClinVar contains an entry for this variant (Variation ID: 530750). This variant has not been reported in the literature in individuals affected with NBN-related conditions. This variant is not present in population databases (gnomAD no frequency).

Ambry Genetics
Classification: Uncertain significance for Hereditary cancer-predisposing syndrome. Last evaluated: 2023-01-11. Review status: criteria provided, single submitter. Criteria: Ambry Variant Classification Scheme 2023. Collection method: clinical testing. Allele origin: germline.
Comment: The p.P283H variant (also known as c.848C>A), located in coding exon 7 of the NBN gene, results from a C to A substitution at nucleotide position 848. The proline at codon 283 is replaced by histidine, an amino acid with similar properties. This amino acid position is conserved. In addition, this alteration is predicted to be tolerated by in silico analysis. Since supporting evidence is limited at this time, the clinical significance of this alteration remains unclear.

Sema4
Classification: Uncertain significance for Hereditary cancer-predisposing syndrome. Last evaluated: 2021-06-14. Review status: criteria provided, single submitter. Criteria: Sema4 Curation Guidelines. Collection method: curation. Allele origin: germline.
Comment: The NBN c.848C>A (p.P283H) variant has not been reported in the literature to our knowledge. This variant was not observed in the large and broad cohorts of the Genome Aggregation Database (PMID: 32461654). This variant has been reported in ClinVar (Variation ID: 530750). In silico tools suggest the impact of the variant on protein function is inconclusive, though these predictions have not been confirmed by functional studies. The overall evidence is insufficient to meet ACMG/AMP criteria for classifying it as benign or pathogenic. In summary, the clinical significance of this variant is currently uncertain.

NM_002485.5(NBN):c.848C>A (p.Pro283His)

Gene: NBN (nibrin; minus strand). Cytogenetic location: 8q21.3.
Variant type: single nucleotide variant.
Coding change: c.848C>A on transcript NM_002485.5 (MANE Select); coding-DNA position 848, C replaced by A.
Protein change: p.Pro283His; replaces proline 283 with histidine.
Molecular consequence: missense variant.
Genome position (GRCh38, 1-based): chr8:89,970,412, G>T on the plus strand (C>A on the coding strand, the complement: NBN is on the minus strand). VCF-style: chr8-89970412-G-T. GRCh37 (hg19) VCF-style: chr8-90982640-G-T.
Other names: c.602C>A, p.Pro201His (NM_001024688.3); short protein forms P283H, P201H.
Identifiers: ClinVar variation 530750 (VCV000530750.9), dbSNP rs1554563853, ClinGen allele CA371658429.